The following is an entry in ClinVar:

NM_015378.4(VPS13D):c.10966C>G (p.Leu3656Val)

Gene: VPS13D (vacuolar protein sorting 13 homolog D; plus strand). Cytogenetic location: 1p36.22.
Variant type: single nucleotide variant.
Coding change: c.10966C>G on transcript NM_015378.4 (MANE Select); coding-DNA position 10966, C replaced by G.
Protein change: p.Leu3656Val; replaces leucine 3656 with valine.
Molecular consequence: missense variant.
Genome position (GRCh38, 1-based): chr1:12,378,476, C>G. VCF-style: chr1-12378476-C-G. GRCh37 (hg19) VCF-style: chr1-12438530-C-G.
Other names: p.Leu3656Val; c.10891C>G, p.Leu3631Val (NM_018156.4); short protein forms L3631V, L3656V.
Identifiers: ClinVar variation 3379376 (VCV003379376.1).

ClinVar aggregate classification (germline): Uncertain significance (1 of 4 stars; one submission).

gnomAD v4.1: 4 of 1,612,078 alleles (0.00025%); highest among the groups gnomAD compares: Non-Finnish European, 0.00025%; no homozygotes.

Submission:

Mayo Clinic Laboratories, Mayo Clinic
Classification: Uncertain significance. Last evaluated: 2024-07-01. Review status: criteria provided, single submitter. Criteria: ACMG Guidelines, 2015. Collection method: clinical testing. Allele origin: germline. Observed: 1 variant allele.
Comment: PM2